The following is an entry in ClinVar:

NM_000540.3(RYR1):c.2936C>G (p.Ala979Gly)

Gene: RYR1 (ryanodine receptor 1; plus strand). Cytogenetic location: 19q13.2.
Variant type: single nucleotide variant.
Coding change: c.2936C>G on transcript NM_000540.3 (MANE Select); coding-DNA position 2936, C replaced by G.
Protein change: p.Ala979Gly; replaces alanine 979 with glycine.
Molecular consequence: missense variant.
Genome position (GRCh38, 1-based): chr19:38,466,156, C>G. VCF-style: chr19-38466156-C-G. GRCh37 (hg19) VCF-style: chr19-38956796-C-G.
Other names: c.2936C>G, p.Ala979Gly (NM_001042723.2); short protein forms A979G.
Identifiers: ClinVar variation 803552 (VCV000803552.5), dbSNP rs769902566, ClinGen allele CA308075900.

ClinVar aggregate classification (germline): Uncertain significance. Review status: criteria provided, multiple submitters, no conflicts (2 of 4 stars). 2 submissions from 2 submitters: Uncertain significance (2). Last evaluated 2023-04-24.

Conditions:
RYR1-related disorder. Also called: RYR1-related condition; RYR1-related disorders. Identifiers: MedGen CN239331.
Malignant hyperthermia, susceptibility to, 1 (MHS1). Also called: Malignant hyperthermia suceptibility 1; Anesthesia related hyperthermia; Malignant hyperpyrexia; Fulminating hyperpyrexia; Pharmacogenic myopathy; RYR1-Related Malignant Hyperthermia Susceptibility. Identifiers: Orphanet 423, MedGen C2930980, MONDO:0007783, OMIM 145600.

Submissions (2):

Labcorp Genetics (formerly Invitae), Labcorp
Classification: Uncertain significance for RYR1-related disorder. Last evaluated: 2023-04-24. Review status: criteria provided, single submitter. Criteria: Invitae Variant Classification Sherloc (09022015). Collection method: clinical testing. Allele origin: germline.
Comment: This sequence change replaces alanine, which is neutral and non-polar, with glycine, which is neutral and non-polar, at codon 979 of the RYR1 protein (p.Ala979Gly). In summary, the available evidence is currently insufficient to determine the role of this variant in disease. Therefore, it has been classified as a Variant of Uncertain Significance. Advanced modeling of protein sequence and biophysical properties (such as structural, functional, and spatial information, amino acid conservation, physicochemical variation, residue mobility, and thermodynamic stability) performed at Invitae indicates that this missense variant is not expected to disrupt RYR1 protein function. ClinVar contains an entry for this variant (Variation ID: 803552). This variant has not been reported in the literature in individuals affected with RYR1-related conditions. This variant is not present in population databases (gnomAD no frequency).

Mendelics
Classification: Uncertain significance for Malignant hyperthermia, susceptibility to, 1. Last evaluated: 2019-05-28. Review status: criteria provided, single submitter. Criteria: Mendelics Assertion Criteria 2017. Collection method: clinical testing. Allele origin: unknown.